The following is an entry in ClinVar:

NM_001356.5(DDX3X):c.525T>A (p.Cys175Ter)

Gene: DDX3X (DEAD-box helicase 3 X-linked; plus strand). Cytogenetic location: Xp11.4.
Variant type: single nucleotide variant.
Coding change: c.525T>A on transcript NM_001356.5 (MANE Select); coding-DNA position 525, T replaced by A.
Protein change: p.Cys175Ter; replaces cysteine 175 with a stop codon.
Molecular consequence: nonsense. On other transcripts: 5 prime UTR variant (1), non-coding transcript variant (1).
Genome position (GRCh38, 1-based): chrX:41,342,818, T>A. VCF-style: chrX-41342818-T-A. GRCh37 (hg19) VCF-style: chrX-41202071-T-A.
Other names: c.525T>A, p.Cys175Ter (NM_001193416.3); c.477T>A, p.Cys159Ter (NM_001193417.3); c.-34T>A (NM_001363819.1); short protein forms C159*, C175*.
Identifiers: ClinVar variation 1687331 (VCV001687331.1), dbSNP rs61755357, ClinGen allele CA412767378.

ClinVar aggregate classification (germline): Likely pathogenic (1 of 4 stars; one submission).

Conditions:
Intellectual disability, X-linked 102 (MRXSSB). Also called: Intellectual developmental disorder, X-linked syndromic, Snijders Blok type. Identifiers: Orphanet 457260, MedGen C5393299, MONDO:0010497, OMIM 300958.

Submission:

3billion
Classification: Likely pathogenic for Intellectual disability, X-linked 102. Last evaluated: 2022-05-22. Review status: criteria provided, single submitter. Criteria: ACMG Guidelines, 2015. Collection method: clinical testing. Allele origin: germline. Affected: yes. Observed: 1 heterozygote.
Comment: The variant is not observed in the gnomAD v2.1.1 dataset. Stop-gained (nonsense): predicted to result in a loss or disruption of normal protein function through nonsense-mediated decay (NMD) or protein truncation. Multiple pathogenic variants are reported downstream of the variant. Therefore, this variant is classified as likely pathogenic according to the recommendation of ACMG/AMP guideline.